The following is an entry in ClinVar:

NM_032119.4(ADGRV1):c.14043+7C>T

Gene: ADGRV1 (adhesion G protein-coupled receptor V1; plus strand). Cytogenetic location: 5q14.3.
Variant type: single nucleotide variant.
Coding change: c.14043+7C>T on transcript NM_032119.4 (MANE Select); 7 bases into the intron after coding-DNA position 14043, C replaced by T.
Molecular consequence: intron variant.
Genome position (GRCh38, 1-based): chr5:90,789,858, C>T. VCF-style: chr5-90789858-C-T. GRCh37 (hg19) VCF-style: chr5-90085675-C-T.
Identifiers: ClinVar variation 505601 (VCV000505601.13), dbSNP rs563519322, ClinGen allele CA122810888.

ClinVar aggregate classification (germline): Conflicting classifications of pathogenicity. Review status: criteria provided, conflicting classifications (1 of 4 stars). 4 submissions from 4 submitters: Uncertain significance (1); Likely benign (3). Last evaluated 2025-12-17.

Conditions:
Usher syndrome type 2C. Also called: Usher syndrome, type 2B; USHER SYNDROME, TYPE IIC. Identifiers: Orphanet 231178, Orphanet 886, MedGen C2931213, MONDO:0011558, OMIM 605472.

Allele frequency attached by ClinVar (database versions not stated): gnomAD 0.00004 and 0.00005; TOPMed 0.00005; gnomAD exomes 0.00006 and 0.00008.
gnomAD v4.1: 86 of 1,347,686 alleles (0.0064%); highest among the groups gnomAD compares: Middle Eastern, 0.038%; no homozygotes.

Submissions (4):

Labcorp Genetics (formerly Invitae), Labcorp
Classification: Likely benign. Last evaluated: 2025-12-17. Review status: criteria provided, single submitter. Criteria: Invitae Variant Classification Sherloc (09022015). Collection method: clinical testing. Allele origin: germline.

Blueprint Genetics
Classification: Likely benign. Last evaluated: 2024-05-06. Review status: criteria provided, single submitter. Criteria: ACMG Guidelines, 2015. Collection method: clinical testing. Allele origin: germline.

Illumina Laboratory Services, Illumina
Classification: Uncertain significance for Usher syndrome type 2C. Last evaluated: 2018-01-13. Review status: criteria provided, single submitter. Criteria: ICSL Variant Classification Criteria 13 December 2019. Collection method: clinical testing. Allele origin: germline.

Laboratory for Molecular Medicine, Mass General Brigham Personalized Medicine
Classification: Likely benign. Last evaluated: 2017-02-08. Review status: criteria provided, single submitter. Criteria: LMM Criteria. Collection method: clinical testing. Allele origin: germline. Observed: 1 variant allele.
Comment: c.14043+7C>T in intron 69 of GPR98: This variant is not expected to have clinica l significance because it is not located within the splice consensus sequence. I t has been identified in 3/41686 European chromosomes by the Genome Aggregation Database (gnomAD; dbSNP rs563519322).